The following is an entry in ClinVar:

NM_004656.4(BAP1):c.211G>A (p.Val71Met)

Gene: BAP1 (BRCA1 associated deubiquitinase 1; minus strand). Cytogenetic location: 3p21.1.
Variant type: single nucleotide variant.
Coding change: c.211G>A on transcript NM_004656.4 (MANE Select); coding-DNA position 211, G replaced by A.
Protein change: p.Val71Met; replaces valine 71 with methionine.
Molecular consequence: missense variant.
Genome position (GRCh38, 1-based): chr3:52,408,518, C>T on the plus strand (G>A on the coding strand, the complement: BAP1 is on the minus strand). VCF-style: chr3-52408518-C-T. GRCh37 (hg19) VCF-style: chr3-52442534-C-T.
Other names: short protein forms V71M.
Identifiers: ClinVar variation 820754 (VCV000820754.13), dbSNP rs753629908, ClinGen allele CA2437156.

ClinVar aggregate classification (germline): Uncertain significance. Review status: criteria provided, multiple submitters, no conflicts (2 of 4 stars). 6 submissions from 6 submitters: Uncertain significance (5). 1 of the submissions does not count toward it. Last evaluated 2024-07-02.

Conditions:
Hereditary cancer-predisposing syndrome. Also called: Neoplastic Syndromes, Hereditary; Tumor predisposition; Hereditary Cancer Syndrome; Hereditary neoplastic syndrome. Identifiers: Orphanet 140162, MedGen C0027672, MeSH D009386, MONDO:0015356.
BAP1-related disorder. Also called: BAP1-related condition.
BAP1-related tumor predisposition syndrome (TPDS1). Also called: Tumor susceptibility linked to germline BAP1 mutations; BAP1 tumor predisposition syndrome; COMMON Syndrome; TUMOR PREDISPOSITION SYNDROME 1. Identifiers: Orphanet 289539, MedGen C3280492, MONDO:0013692, OMIM 614327.

Allele frequency attached by ClinVar (database versions not stated): gnomAD exomes below 0.00001; ExAC 0.00001; TOPMed 0.00001.

Submissions (6):

Labcorp Genetics (formerly Invitae), Labcorp
Classification: Uncertain significance for BAP1-related tumor predisposition syndrome. Last evaluated: 2024-07-02. Review status: criteria provided, single submitter. Criteria: Invitae Variant Classification Sherloc (09022015). Collection method: clinical testing. Allele origin: germline.
Comment: This sequence change replaces valine, which is neutral and non-polar, with methionine, which is neutral and non-polar, at codon 71 of the BAP1 protein (p.Val71Met). The frequency data for this variant in the population databases is considered unreliable, as metrics indicate poor data quality at this position in the gnomAD database. This variant has not been reported in the literature in individuals affected with BAP1-related conditions. ClinVar contains an entry for this variant (Variation ID: 820754). Advanced modeling of protein sequence and biophysical properties (such as structural, functional, and spatial information, amino acid conservation, physicochemical variation, residue mobility, and thermodynamic stability) has been performed at Invitae for this missense variant, however the output from this modeling did not meet the statistical confidence thresholds required to predict the impact of this variant on BAP1 protein function. In summary, the available evidence is currently insufficient to determine the role of this variant in disease. Therefore, it has been classified as a Variant of Uncertain Significance.

GeneDx
Classification: Uncertain significance. Last evaluated: 2023-03-22. Review status: criteria provided, single submitter. Criteria: GeneDx Variant Classification Process June 2021. Collection method: clinical testing. Allele origin: germline. Affected: yes.
Comment: Not observed at significant frequency in large population cohorts (gnomAD); In silico analysis supports that this missense variant does not alter protein structure/function; Has not been previously published as pathogenic or benign to our knowledge; This variant is associated with the following publications: (PMID: 30258054)

Quest Diagnostics Nichols Institute San Juan Capistrano
Classification: Uncertain significance. Last evaluated: 2023-03-16. Review status: criteria provided, single submitter. Criteria: Quest Diagnostics criteria. Collection method: clinical testing. Allele origin: unknown.
Comment: The variant has not been reported in individuals with BAP1-related conditions in the published literature. The frequency of this variant in the general population, 0.0000041 (1/246258 chromosomes), is uninformative in assessment of its pathogenicity. Analysis of this variant using bioinformatics tools for the prediction of the effect of amino acid changes on protein structure and function yielded conflicting predictions that this variant is benign or damaging. Based on the available information, we are unable to determine the clinical significance of this variant.

Color Diagnostics, LLC DBA Color Health
Classification: Uncertain significance for Hereditary cancer-predisposing syndrome. Last evaluated: 2019-06-28. Review status: criteria provided, single submitter. Criteria: ACMG Guidelines, 2015. Collection method: clinical testing. Allele origin: germline.

Ambry Genetics
Classification: Uncertain significance for Hereditary cancer-predisposing syndrome. Last evaluated: 2019-05-02. Review status: criteria provided, single submitter. Criteria: Ambry Variant Classification Scheme 2023. Collection method: clinical testing. Allele origin: germline.
Comment: The p.V71M variant (also known as c.211G>A), located in coding exon 4 of the BAP1 gene, results from a G to A substitution at nucleotide position 211. The valine at codon 71 is replaced by methionine, an amino acid with highly similar properties. This amino acid position is highly conserved in available vertebrate species. In addition, the in silico prediction for this alteration is inconclusive. Since supporting evidence is limited at this time, the clinical significance of this alteration remains unclear.

PreventionGenetics, part of Exact Sciences
Classification: Uncertain significance for BAP1-related condition. Last evaluated: 2024-07-12. Review status: no assertion criteria provided. Collection method: clinical testing. Allele origin: germline. Not counted in ClinVar's aggregate classification.
Comment: The BAP1 c.211G>A variant is predicted to result in the amino acid substitution p.Val71Met. To our knowledge, this variant has not been reported in the literature. This variant is reported in 0.0033% of alleles in individuals of South Asian descent in gnomAD and is classified as a variant of uncertain significance in ClinVar. At this time, the clinical significance of this variant is uncertain due to the absence of conclusive functional and genetic evidence.